The following is an entry in ClinVar:

NM_004006.3(DMD):c.5537A>C (p.Glu1846Ala)

Gene: DMD (dystrophin; minus strand). Cytogenetic location: Xp21.1.
Variant type: single nucleotide variant.
Coding change: c.5537A>C on transcript NM_004006.3 (MANE Select); coding-DNA position 5537, A replaced by C.
Protein change: p.Glu1846Ala; replaces glutamic acid 1846 with alanine.
Molecular consequence: missense variant.
Genome position (GRCh38, 1-based): chrX:32,345,992, T>G on the plus strand (A>C on the coding strand, the complement: DMD is on the minus strand). VCF-style: chrX-32345992-T-G. GRCh37 (hg19) VCF-style: chrX-32364109-T-G.
Other names: c.5513A>C, p.Glu1838Ala (NM_000109.4); c.5525A>C, p.Glu1842Ala (NM_004009.3); c.5168A>C, p.Glu1723Ala (NM_004010.3); c.1514A>C, p.Glu505Ala (NM_004011.4); c.1505A>C, p.Glu502Ala (NM_004012.4); short protein forms E1838A, E1846A, E1723A, E1842A, E505A, E502A.
Identifiers: ClinVar variation 2174349 (VCV002174349.4), dbSNP rs749463515, ClinGen allele CA10378659.

ClinVar aggregate classification (germline): Uncertain significance. Review status: criteria provided, multiple submitters, no conflicts (2 of 4 stars). 2 submissions from 2 submitters: Uncertain significance (2). Last evaluated 2024-07-01.

Conditions:
Duchenne muscular dystrophy (DMD). Also called: MUSCULAR DYSTROPHY, PSEUDOHYPERTROPHIC PROGRESSIVE, DUCHENNE TYPE; Duchenne Muscular Dystrophy (DMD). Identifiers: Orphanet 98896, MedGen C0013264, MONDO:0010679, OMIM 310200.

Allele frequency attached by ClinVar (database versions not stated): 1000 Genomes Project 0.00026; gnomAD exomes below 0.00001; ExAC 0.00001; gnomAD 0.00001; 1000 Genomes Project 30x 0.00021.
gnomAD v4.1: 2 of 1,207,924 alleles (0.00017%); highest among the groups gnomAD compares: East Asian, 0.0059%; no homozygotes.

Submissions (2):

GeneDx
Classification: Uncertain significance. Last evaluated: 2024-07-01. Review status: criteria provided, single submitter. Criteria: GeneDx Variant Classification Process June 2021. Collection method: clinical testing. Allele origin: germline. Affected: yes.
Comment: In silico analysis supports that this missense variant has a deleterious effect on protein structure/function; Has not been previously published as pathogenic or benign to our knowledge; This variant is associated with the following publications: (PMID: 16770791)

Labcorp Genetics (formerly Invitae), Labcorp
Classification: Uncertain significance for Duchenne muscular dystrophy. Last evaluated: 2024-02-22. Review status: criteria provided, single submitter. Criteria: Invitae Variant Classification Sherloc (09022015). Collection method: clinical testing. Allele origin: germline.
Comment: This sequence change replaces glutamic acid, which is acidic and polar, with alanine, which is neutral and non-polar, at codon 1846 of the DMD protein (p.Glu1846Ala). This variant is present in population databases (rs749463515, gnomAD 0.008%). This variant has not been reported in the literature in individuals affected with DMD-related conditions. ClinVar contains an entry for this variant (Variation ID: 2174349). Advanced modeling of protein sequence and biophysical properties (such as structural, functional, and spatial information, amino acid conservation, physicochemical variation, residue mobility, and thermodynamic stability) performed at Invitae indicates that this missense variant is not expected to disrupt DMD protein function with a negative predictive value of 95%. In summary, the available evidence is currently insufficient to determine the role of this variant in disease. Therefore, it has been classified as a Variant of Uncertain Significance.